The following is an entry in ClinVar:

NM_001481.3(DRC4):c.937C>A (p.Arg313Ser)

Gene: DRC4 (dynein regulatory complex subunit 4; plus strand). Cytogenetic location: 16q24.3.
Variant type: single nucleotide variant.
Coding change: c.937C>A on transcript NM_001481.3 (MANE Select); coding-DNA position 937, C replaced by A.
Protein change: p.Arg313Ser; replaces arginine 313 with serine.
Molecular consequence: missense variant.
Genome position (GRCh38, 1-based): chr16:90,037,774, C>A. VCF-style: chr16-90037774-C-A. GRCh37 (hg19) VCF-style: chr16-90104182-C-A.
Other names: c.688C>A, p.Arg230Ser (NM_001286205.2); c.361C>A, p.Arg121Ser (NM_001286208.2); c.862C>A, p.Arg288Ser (NM_001286209.2); short protein forms R230S, R121S, R288S, R313S.
Identifiers: ClinVar variation 2895097 (VCV002895097.2), dbSNP rs745725272, ClinGen allele CA397468372.
Genomic context (GRCh38, chr16:90,037,774, plus strand): 5'-TGTGAATCTTGAATACTTTCTGTCCCCTACTCCCTGTTTTTCCTCCAGTGCACAAAAGCC[C>A]GTTTGAAAGTCAGGGAGAAAGAGCTGAAAGACCTGCAGTGGGAGCATGAAGTGTTAGAGC-3'
Protein context (NP_001472.1, residues 303-323): DKQILLCTKA[Arg313Ser]LKVREKELKD

ClinVar aggregate classification (germline): Uncertain significance (1 of 4 stars; one submission).

Conditions:
Primary ciliary dyskinesia 33. Also called: CILIARY DYSKINESIA, PRIMARY, 33, WITHOUT SITUS INVERSUS. Identifiers: Orphanet 244, MedGen C4225230, MONDO:0014750, OMIM 616726.

gnomAD v4.1: 6 of 1,614,058 alleles (0.00037%); highest among the groups gnomAD compares: Non-Finnish European, 0.00042%; no homozygotes.

Submission:

Labcorp Genetics (formerly Invitae), Labcorp
Classification: Uncertain significance for Primary ciliary dyskinesia 33. Last evaluated: 2023-05-24. Review status: criteria provided, single submitter. Criteria: Invitae Variant Classification Sherloc (09022015). Collection method: clinical testing. Allele origin: germline.
Comment: This sequence change replaces arginine, which is basic and polar, with serine, which is neutral and polar, at codon 313 of the GAS8 protein (p.Arg313Ser). This variant is present in population databases (no rsID available, gnomAD 0.0009%). This variant has not been reported in the literature in individuals affected with GAS8-related conditions. Advanced modeling of protein sequence and biophysical properties (such as structural, functional, and spatial information, amino acid conservation, physicochemical variation, residue mobility, and thermodynamic stability) performed at Invitae indicates that this missense variant is not expected to disrupt GAS8 protein function. In summary, the available evidence is currently insufficient to determine the role of this variant in disease. Therefore, it has been classified as a Variant of Uncertain Significance.